The following is an entry in ClinVar:

NM_001042492.3(NF1):c.4955A>G (p.Asn1652Ser)

Gene: NF1 (neurofibromin 1; plus strand). Cytogenetic location: 17q11.2.
Variant type: single nucleotide variant.
Coding change: c.4955A>G on transcript NM_001042492.3 (MANE Select); coding-DNA position 4955, A replaced by G.
Protein change: p.Asn1652Ser; replaces asparagine 1652 with serine.
Molecular consequence: missense variant.
Genome position (GRCh38, 1-based): chr17:31,325,939, A>G. VCF-style: chr17-31325939-A-G. GRCh37 (hg19) VCF-style: chr17-29652957-A-G.
Other names: c.4892A>G, p.Asn1631Ser (NM_000267.4); short protein forms N1631S, N1652S.
Identifiers: ClinVar variation 825261 (VCV000825261.14), dbSNP rs775874538, ClinGen allele CA8487122.
Genomic context (GRCh38, chr17:31,325,939, plus strand): 5'-AGCCATATTATGCAAAGCCATATGAAATTGTAGTGGACCTTACCCATACCGGGCCTAGCA[A>G]TCGCTTTAAAACAGACTTTCTCTCTAAGTGGTTTGTTGTTTTTCCTGGCTTTGCTTACGA-3'
Protein context (NP_001035957.1, residues 1642-1662): VVDLTHTGPS[Asn1652Ser]RFKTDFLSKW

ClinVar aggregate classification (germline): Uncertain significance. Review status: criteria provided, multiple submitters, no conflicts (2 of 4 stars). 4 submissions from 4 submitters: Uncertain significance (4). Last evaluated 2025-12-01.

Conditions:
Cardiovascular phenotype. Identifiers: MedGen CN230736.
Hereditary cancer-predisposing syndrome. Also called: Hereditary Cancer Syndrome; Neoplastic Syndromes, Hereditary; Tumor predisposition; Hereditary neoplastic syndrome. Identifiers: Orphanet 140162, MedGen C0027672, MeSH D009386, MONDO:0015356.
Neurofibromatosis, type 1 (NF1). Also called: VON RECKLINGHAUSEN DISEASE; Neurofibromatosis, type I; Peripheral type neurofibromatosis; NEUROFIBROMATOSIS, TYPE I, SOMATIC. Identifiers: Orphanet 636, MedGen C0027831, MONDO:0018975, OMIM 162200. Disease mechanism: loss of function.

Allele frequency attached by ClinVar (database versions not stated): gnomAD exomes below 0.00001; ExAC 0.00001.
gnomAD v4.1: 1 of 1,614,198 alleles (0.000062%); highest among the groups gnomAD compares: Non-Finnish European, 0.000085%; no homozygotes.

Submissions (4):

Dasa
Classification: Uncertain significance. Last evaluated: 2025-12-01. Review status: criteria provided, single submitter. Criteria: DASA Assertion Criteria. Collection method: clinical testing. Allele origin: germline.
Comment: NM_001042492.3(NF1):c.4955A>G (p.Asn1652Ser) is a missense variant that results in the substitution of asparagine with serine. This variant is rare in population databases. The currently available literature and clinical evidence are not sufficient to establish a definitive association between this variant and the reported condition. Therefore, this variant is classified as a variant of uncertain significance.

Labcorp Genetics (formerly Invitae), Labcorp
Classification: Uncertain significance for Neurofibromatosis, type 1. Last evaluated: 2024-04-15. Review status: criteria provided, single submitter. Criteria: Invitae Variant Classification Sherloc (09022015). Collection method: clinical testing. Allele origin: germline.
Comment: This sequence change replaces asparagine, which is neutral and polar, with serine, which is neutral and polar, at codon 1631 of the NF1 protein (p.Asn1631Ser). This variant is not present in population databases (gnomAD no frequency). This variant has not been reported in the literature in individuals affected with NF1-related conditions. ClinVar contains an entry for this variant (Variation ID: 825261). Advanced modeling of protein sequence and biophysical properties (such as structural, functional, and spatial information, amino acid conservation, physicochemical variation, residue mobility, and thermodynamic stability) performed at Invitae indicates that this missense variant is expected to disrupt NF1 protein function with a positive predictive value of 95%. In summary, the available evidence is currently insufficient to determine the role of this variant in disease. Therefore, it has been classified as a Variant of Uncertain Significance.

Genome-Nilou Lab
Classification: Uncertain significance for Neurofibromatosis, type 1. Last evaluated: 2022-03-15. Review status: criteria provided, single submitter. Criteria: ACMG Guidelines, 2015. Collection method: clinical testing. Allele origin: germline. Affected: no.

Ambry Genetics
Classification: Uncertain significance for Cardiovascular phenotype; Hereditary cancer-predisposing syndrome. Last evaluated: 2021-04-01. Review status: criteria provided, single submitter. Criteria: Ambry Variant Classification Scheme 2023. Collection method: clinical testing. Allele origin: germline.